The following is an entry in ClinVar:

ClinVar aggregate classification (germline): Pathogenic/Likely pathogenic. Review status: criteria provided, multiple submitters, no conflicts (2 of 4 stars). 5 submissions from 5 submitters: Pathogenic (2); Likely pathogenic (3). Last evaluated 2025-10-10.

Conditions:
Infantile hypophosphatasia. Identifiers: Orphanet 247651, Orphanet 436, MedGen C0268412, MONDO:1010169, OMIM 241500, MONDO:0009427.
Adult hypophosphatasia. Identifiers: Orphanet 247676, Orphanet 436, MedGen C0268413, MONDO:1010154, OMIM 146300, MONDO:0007798.
Childhood hypophosphatasia. Identifiers: Orphanet 247667, Orphanet 436, MedGen C0220743, MONDO:1010168, OMIM 241510, MONDO:0009428.
Hypophosphatasia. Also called: Phosphoethanol-aminuria. Identifiers: Orphanet 436, MedGen C0020630, MeSH D007014, MONDO:0018570.

Submissions (5):

Women's Health and Genetics/Laboratory Corporation of America, LabCorp
Classification: Pathogenic for Hypophosphatasia. Last evaluated: 2025-10-10. Review status: criteria provided, single submitter. Criteria: LabCorp Variant Classification Summary - May 2015. Collection method: clinical testing. Allele origin: germline.
Comment: Variant summary: ALPL c.1142A>G (p.His381Arg) results in a non-conservative amino acid change in the encoded protein sequence. Algorithms developed to predict the effect of missense changes on protein structure and function all suggest that this variant is likely to be disruptive. The variant was absent in 251492 control chromosomes. c.1142A>G has been observed in the heterozygous state in individuals affected with autosomal dominant Hypophosphatasia and in compound heterozygous individuals affected with autosomal recessive Hypophosphatasia (example: del Angel_2020, McKiernan_2017, Pierpont_2021, Taillandier_2000, Forlenza_2015). These data indicate that the variant is associated with disease. To our knowledge, no experimental evidence demonstrating an impact on protein function has been reported. The following publications have been ascertained in the context of this evaluation (PMID: 25958132, 28401263, 33579333, 10679946, 32160374). ClinVar contains an entry for this variant (Variation ID: 623122). Based on the evidence outlined above, the variant was classified as pathogenic. Based on the evidence outlined above, the variant was classified as pathogenic for autosomal dominant and autosomal recessive Hypophosphatasia.

Genomenon, Inc
Classification: Likely pathogenic for Hypophosphatasia. Last evaluated: 2025-08-29. Review status: criteria provided, single submitter. Criteria: Genomenon Sequence Variant Interpretation Standards. Collection method: curation. Allele origin: germline. Affected: yes.
Comment: ALPL His381Arg (c.1142A>G) is a missense variant that changes the amino acid at residue 381 from Histidine to Arginine. This variant has been observed in at least one proband affected with hypophosphatasia (PMID:28401263;25958132;33579333;10679946). It is absent or not present at a significant frequency in gnomAD. In silico models agree that this variant is possibly or probably damaging. In conclusion, we classify ALPL p.His381Arg (c.1142A>G) as a likely pathogenic variant.

Fulgent Genetics
Classification: Likely pathogenic for Adult hypophosphatasia; Infantile hypophosphatasia; Childhood hypophosphatasia. Last evaluated: 2024-05-19. Review status: criteria provided, single submitter. Criteria: ACMG Guidelines, 2015. Collection method: clinical testing. Allele origin: germline.

Labcorp Genetics (formerly Invitae), Labcorp
Classification: Pathogenic. Last evaluated: 2023-12-30. Review status: criteria provided, single submitter. Criteria: Invitae Variant Classification Sherloc (09022015). Collection method: clinical testing. Allele origin: germline.
Comment: This sequence change replaces histidine, which is basic and polar, with arginine, which is basic and polar, at codon 381 of the ALPL protein (p.His381Arg). This variant is not present in population databases (gnomAD no frequency). This missense change has been observed in individual(s) with ALPL-related conditions (PMID: 10679946, 28401263). This variant is also known as H364R. ClinVar contains an entry for this variant (Variation ID: 623122). Advanced modeling of protein sequence and biophysical properties (such as structural, functional, and spatial information, amino acid conservation, physicochemical variation, residue mobility, and thermodynamic stability) performed at Invitae indicates that this missense variant is expected to disrupt ALPL protein function with a positive predictive value of 95%. For these reasons, this variant has been classified as Pathogenic.

Molecular Diagnostics Laboratory, M Health Fairview: University of Minnesota
Classification: Likely pathogenic for Infantile hypophosphatasia. Last evaluated: 2018-11-01. Review status: criteria provided, single submitter. Criteria: ACMG Guidelines, 2015. Collection method: clinical testing. Allele origin: germline. Affected: yes. Observed: 2 variant alleles.

Literature cited by the submitters: PubMed 28401263 (cited by 3 submitters); PubMed 32160374 (cited by Women's Health and Genetics/Laboratory Corporation of America, LabCorp); PubMed 10679946 (cited by 4 submitters); PubMed 33579333 (cited by Women's Health and Genetics/Laboratory Corporation of America, LabCorp and Genomenon, Inc); PubMed 25958132 (cited by Women's Health and Genetics/Laboratory Corporation of America, LabCorp and Genomenon, Inc); PubMed 28939177 (cited by Molecular Diagnostics Laboratory, M Health Fairview: University of Minnesota).

NM_000478.6(ALPL):c.1142A>G (p.His381Arg)

Gene: ALPL (alkaline phosphatase, biomineralization associated; plus strand). Cytogenetic location: 1p36.12.
Variant type: single nucleotide variant.
Coding change: c.1142A>G on transcript NM_000478.6 (MANE Select); coding-DNA position 1142, A replaced by G.
Protein change: p.His381Arg; replaces histidine 381 with arginine.
Molecular consequence: missense variant.
Genome position (GRCh38, 1-based): chr1:21,575,877, A>G. VCF-style: chr1-21575877-A-G. GRCh37 (hg19) VCF-style: chr1-21902370-A-G.
Other names: c.977A>G, p.His326Arg (NM_001127501.4); c.911A>G, p.His304Arg (NM_001177520.3); c.1142A>G, p.His381Arg (NM_001369803.2, NM_001369804.2, NM_001369805.2); short protein forms H381R, H304R, H326R.
Identifiers: ClinVar variation 623122 (VCV000623122.10), dbSNP rs1558557428, ClinGen allele CA338881377.